The following is an entry in ClinVar:

NM_001999.4(FBN2):c.1603G>C (p.Asp535His)

Gene: FBN2 (fibrillin 2; minus strand). Cytogenetic location: 5q23.3.
Variant type: single nucleotide variant.
Coding change: c.1603G>C on transcript NM_001999.4 (MANE Select); coding-DNA position 1603, G replaced by C.
Protein change: p.Asp535His; replaces aspartic acid 535 with histidine.
Molecular consequence: missense variant.
Genome position (GRCh38, 1-based): chr5:128,392,018, C>G on the plus strand (G>C on the coding strand, the complement: FBN2 is on the minus strand). VCF-style: chr5-128392018-C-G. GRCh37 (hg19) VCF-style: chr5-127727711-C-G.
Other names: short protein forms D535H.
Identifiers: ClinVar variation 4712321 (VCV004712321.1).

ClinVar aggregate classification (germline): Uncertain significance (1 of 4 stars; one submission).

Conditions:
Congenital contractural arachnodactyly (CCA). Also called: Arthrogryposis, distal, type 9; BEALS SYNDROME; Beals-Hecht syndrome. Identifiers: Orphanet 115, MedGen C0220668, MONDO:0007363, OMIM 121050.

Submission:

Labcorp Genetics (formerly Invitae), Labcorp
Classification: Uncertain significance for Congenital contractural arachnodactyly. Last evaluated: 2025-02-04. Review status: criteria provided, single submitter. Criteria: Invitae Variant Classification Sherloc (09022015). Collection method: clinical testing. Allele origin: germline.
Comment: This sequence change replaces aspartic acid, which is acidic and polar, with histidine, which is basic and polar, at codon 535 of the FBN2 protein (p.Asp535His). This variant also falls at the last nucleotide of exon 11, which is part of the consensus splice site for this exon. This variant is not present in population databases (gnomAD no frequency). This variant has not been reported in the literature in individuals affected with FBN2-related conditions. An algorithm developed to predict the effect of missense changes on protein structure and function (PolyPhen-2) suggests that this variant is likely to be disruptive. Variants that disrupt the consensus splice site are a relatively common cause of aberrant splicing (PMID: 17576681, 9536098). In summary, the available evidence is currently insufficient to determine the role of this variant in disease. Therefore, it has been classified as a Variant of Uncertain Significance.

Literature cited by the submitters: PubMed 17576681; PubMed 9536098.